The following is an entry in ClinVar:

ClinVar aggregate classification (germline): Benign (1 of 4 stars; one submission).

Allele frequency attached by ClinVar (database versions not stated): 1000 Genomes Project 30x 0.45409; 1000 Genomes Project 0.45747; TOPMed 0.51705; gnomAD 0.53443 and 0.53645.
gnomAD v4.1: 81,871 of 152,062 alleles (54%); highest among the groups gnomAD compares: Non-Finnish European, 70%; 24,983 homozygotes.

Submission:

GeneDx
Classification: Benign. Last evaluated: 2020-04-28. Review status: criteria provided, single submitter. Criteria: GeneDx Variant Classification Process June 2021. Collection method: clinical testing. Allele origin: germline. Affected: yes.
Comment: This variant is associated with the following publications: (PMID: 21862670)

NM_001349798.2(FBXW7):c.861+2109A>G

Gene: FBXW7 (F-box and WD repeat domain containing 7; minus strand). Cytogenetic location: 4q31.3.
Variant type: single nucleotide variant.
Coding change: c.861+2109A>G on transcript NM_001349798.2 (MANE Select); 2109 bases into the intron after coding-DNA position 861, A replaced by G.
Molecular consequence: intron variant.
Genome position (GRCh38, 1-based): chr4:152,335,693, T>C on the plus strand (A>G on the coding strand, the complement: FBXW7 is on the minus strand). VCF-style: chr4-152335693-T-C. GRCh37 (hg19) VCF-style: chr4-153256845-T-C.
Other names: c.507+2109A>G (NM_001013415.2); c.621+2109A>G (NM_018315.5); c.861+2109A>G (NM_033632.3).
Identifiers: ClinVar variation 1291721 (VCV001291721.2), dbSNP rs6535847, ClinGen allele CA11896386.
Genomic context (GRCh38, chr4:152,335,693, plus strand): 5'-ATAATTACCTTTTCCTTGTCCAACTCTGTAAGAATTGCTTTTATTTTTCTCTATAACCTA[T>C]ATAAAAGACAACCACATTGTACTTAAAAGGTAGCCAATATTTTCCCAGACTTGCTGTATT-3'